The following is an entry in ClinVar:

ClinVar aggregate classification (germline): Likely benign. Review status: criteria provided, multiple submitters, no conflicts (2 of 4 stars). 3 submissions from 3 submitters: Likely benign (2). 1 of the submissions does not count toward it. Last evaluated 2025-03-20.

Conditions:
KIAA1549-related disorder. Also called: KIAA1549-related condition.

Allele frequency attached by ClinVar (database versions not stated): TOPMed 0.00002; gnomAD 0.00003 and 0.00004; gnomAD exomes 0.00005 and 0.00006; ExAC 0.00007.
gnomAD v4.1: 90 of 1,613,708 alleles (0.0056%); highest among the groups gnomAD compares: Middle Eastern, 0.066%; 1 homozygote.

Submissions (3):

Labcorp Genetics (formerly Invitae), Labcorp
Classification: Likely benign. Last evaluated: 2025-03-20. Review status: criteria provided, single submitter. Criteria: Invitae Variant Classification Sherloc (09022015). Collection method: clinical testing. Allele origin: germline.

Blueprint Genetics
Classification: Likely benign. Last evaluated: 2024-08-30. Review status: criteria provided, single submitter. Criteria: ACMG Guidelines, 2015. Collection method: clinical testing. Allele origin: germline.

PreventionGenetics, part of Exact Sciences
Classification: Likely benign for KIAA1549-related condition. Last evaluated: 2019-02-21. Review status: no assertion criteria provided. Collection method: clinical testing. Allele origin: germline. Not counted in ClinVar's aggregate classification.
Comment: This variant is classified as likely benign based on ACMG/AMP sequence variant interpretation guidelines (Richards et al. 2015 PMID: 25741868, with internal and published modifications).

NM_001164665.2(KIAA1549):c.3795C>G (p.Leu1265=)

Gene: KIAA1549 (KIAA1549; minus strand). Cytogenetic location: 7q34.
Variant type: single nucleotide variant.
Coding change: c.3795C>G on transcript NM_001164665.2 (MANE Select); coding-DNA position 3795, C replaced by G.
Protein change: p.Leu1265=; no amino-acid change (leucine 1265 retained).
Molecular consequence: synonymous variant.
Genome position (GRCh38, 1-based): chr7:138,899,007, G>C on the plus strand (C>G on the coding strand, the complement: KIAA1549 is on the minus strand). VCF-style: chr7-138899007-G-C. GRCh37 (hg19) VCF-style: chr7-138583753-G-C.
Other names: c.3795C>G, p.Leu1265= (NM_020910.3); c.3795C>G (NM_001164665.1).
Identifiers: ClinVar variation 1146463 (VCV001146463.12), dbSNP rs568706447, ClinGen allele CA4506109.
Genomic context (GRCh38, chr7:138,899,007, plus strand): 5'-GCACTTACGCTGGGCAATGACACCTTGAATTCGGTAACCCAAGATGATGGCTGCTCTCTG[G>C]AGGTCCATTTTGTTAATCAGGTCCGAAGACTTGACTGCACTGAGTCTTTCTCCATCTTGA-3'
Protein context (NP_001158137.1, residues 1255-1275): KSSDLINKMD[Leu1265=]QRAAIILGYR